The following is an entry in ClinVar:

ClinVar aggregate classification (germline): Likely benign. Review status: criteria provided, multiple submitters, no conflicts (2 of 4 stars). 2 submissions from 2 submitters: Likely benign (2). Last evaluated 2026-05-01.

gnomAD v4.1: 16 of 1,310,264 alleles (0.0012%); highest among the groups gnomAD compares: East Asian, 0.0031%; no homozygotes.

Submissions (2):

CeGaT Center for Human Genetics Tuebingen
Classification: Likely benign. Last evaluated: 2026-05-01. Review status: criteria provided, single submitter. Criteria: CeGaT Center For Human Genetics Tuebingen Variant Classification Criteria Version 2. Collection method: clinical testing. Allele origin: germline. Affected: yes. Observed: 1 variant allele.
Comment: COQ9: BP4, BP7

Labcorp Genetics (formerly Invitae), Labcorp
Classification: Likely benign. Last evaluated: 2025-08-06. Review status: criteria provided, single submitter. Criteria: Invitae Variant Classification Sherloc (09022015). Collection method: clinical testing. Allele origin: germline.

NM_020312.4(COQ9):c.15G>A (p.Ala5=)

Genes: COQ9 (coenzyme Q9; plus strand), LOC112469007 (Sharpr-MPRA regulatory region 5957; plus strand). Cytogenetic location: 16q21.
Variant type: single nucleotide variant.
Coding change: c.15G>A on transcript NM_020312.4 (MANE Select); coding-DNA position 15, G replaced by A.
Protein change: p.Ala5=; no amino-acid change (alanine 5 retained).
Molecular consequence: synonymous variant.
Genome position (GRCh38, 1-based): chr16:57,447,520, G>A. VCF-style: chr16-57447520-G-A. GRCh37 (hg19) VCF-style: chr16-57481432-G-A.
Identifiers: ClinVar variation 4705411 (VCV004705411.3).